The following is an entry in ClinVar:

NM_002796.3(PSMB4):c.764A>G (p.Asp255Gly)

Gene: PSMB4 (proteasome 20S subunit beta 4; plus strand). Cytogenetic location: 1q21.3.
Variant type: single nucleotide variant.
Coding change: c.764A>G on transcript NM_002796.3 (MANE Select); coding-DNA position 764, A replaced by G.
Protein change: p.Asp255Gly; replaces aspartic acid 255 with glycine.
Molecular consequence: missense variant.
Genome position (GRCh38, 1-based): chr1:151,401,612, A>G. VCF-style: chr1-151401612-A-G. GRCh37 (hg19) VCF-style: chr1-151374088-A-G.
Other names: short protein forms D255G.
Identifiers: ClinVar variation 2001286 (VCV002001286.4), dbSNP rs1403552029, ClinGen allele CA341928061.

ClinVar aggregate classification (germline): Uncertain significance (1 of 4 stars; one submission).

Submission:

Labcorp Genetics (formerly Invitae), Labcorp
Classification: Uncertain significance. Last evaluated: 2024-02-05. Review status: criteria provided, single submitter. Criteria: Invitae Variant Classification Sherloc (09022015). Collection method: clinical testing. Allele origin: germline.
Comment: This sequence change replaces aspartic acid, which is acidic and polar, with glycine, which is neutral and non-polar, at codon 255 of the PSMB4 protein (p.Asp255Gly). This variant is not present in population databases (gnomAD no frequency). This variant has not been reported in the literature in individuals affected with PSMB4-related conditions. ClinVar contains an entry for this variant (Variation ID: 2001286). An algorithm developed to predict the effect of missense changes on protein structure and function (PolyPhen-2) suggests that this variant is likely to be tolerated. In summary, the available evidence is currently insufficient to determine the role of this variant in disease. Therefore, it has been classified as a Variant of Uncertain Significance.